The following is an entry in ClinVar:

ClinVar aggregate classification (germline): Uncertain significance. Review status: criteria provided, multiple submitters, no conflicts (2 of 4 stars). 4 submissions from 4 submitters: Uncertain significance (3). 1 of the submissions does not count toward it. Last evaluated 2026-04-14.

Conditions:
Sialuria. Also called: Sialic Acid Storage Disease; SIALURIA, FRENCH TYPE. Identifiers: Orphanet 3166, MedGen C0342853, MONDO:0010028, OMIM 269921.
GNE myopathy (NM). Also called: IBM 2; Inclusion body myopathy autosomal recessive; Inclusion body myopathy quadriceps sparing; NONAKA DISTAL MYOPATHY; INCLUSION BODY MYOPATHY, HEREDITARY, AUTOSOMAL RECESSIVE; INCLUSION BODY MYOPATHY 2, AUTOSOMAL RECESSIVE. Identifiers: Orphanet 602, MedGen C1853926, MONDO:0011603, OMIM 605820.

Allele frequency attached by ClinVar (database versions not stated): gnomAD exomes 0.00001; ExAC 0.00002; ESP Exome Variant Server 0.00015; gnomAD 0.00018 and 0.00021; TOPMed 0.00025.
gnomAD v4.1: 51 of 1,601,996 alleles (0.0032%); highest among the groups gnomAD compares: African/African-American, 0.059%; no homozygotes.

Submissions (4):

Women's Health and Genetics/Laboratory Corporation of America, LabCorp
Classification: Uncertain significance. Last evaluated: 2026-04-14. Review status: criteria provided, single submitter. Criteria: LabCorp Variant Classification Summary - May 2015. Collection method: clinical testing. Allele origin: germline.

Labcorp Genetics (formerly Invitae), Labcorp
Classification: Uncertain significance for Sialuria; GNE myopathy. Last evaluated: 2026-01-13. Review status: criteria provided, single submitter. Criteria: Invitae Variant Classification Sherloc (09022015). Collection method: clinical testing. Allele origin: germline.
Comment: This sequence change falls in intron 11 of the GNE gene. It does not directly change the encoded amino acid sequence of the GNE protein. It affects a nucleotide within the consensus splice site. This variant is present in population databases (rs370730412, gnomAD 0.02%). This variant has not been reported in the literature in individuals affected with GNE-related conditions. ClinVar contains an entry for this variant (Variation ID: 571466). Variants that disrupt the consensus splice site are a relatively common cause of aberrant splicing (PMID: 17576681, 9536098). Algorithms developed to predict the effect of sequence changes on RNA splicing suggest that this variant is not likely to affect RNA splicing. In summary, the available evidence is currently insufficient to determine the role of this variant in disease. Therefore, it has been classified as a Variant of Uncertain Significance.

Revvity Omics, Revvity
Classification: Uncertain significance. Last evaluated: 2024-03-13. Review status: criteria provided, single submitter. Criteria: ACMG Guidelines, 2015. Collection method: clinical testing. Allele origin: germline.

Natera, Inc.
Classification: Uncertain significance for Nonaka myopathy. Last evaluated: 2019-10-28. Review status: no assertion criteria provided. Collection method: clinical testing. Allele origin: germline. Not counted in ClinVar's aggregate classification.

Literature cited by the submitters: PubMed 17576681 (cited by Labcorp Genetics (formerly Invitae), Labcorp); PubMed 9536098 (cited by Labcorp Genetics (formerly Invitae), Labcorp).

NM_005476.7(GNE):c.1933+3G>A

Gene: GNE (glucosamine (UDP-N-acetyl)-2-epimerase/N-acetylmannosamine kinase; minus strand). Cytogenetic location: 9p13.3.
Variant type: single nucleotide variant.
Coding change: c.1933+3G>A on transcript NM_005476.7 (MANE Select); 3 bases into the intron after coding-DNA position 1933, G replaced by A.
Molecular consequence: intron variant.
Genome position (GRCh38, 1-based): chr9:36,218,180, C>T on the plus strand (G>A on the coding strand, the complement: GNE is on the minus strand). VCF-style: chr9-36218180-C-T. GRCh37 (hg19) VCF-style: chr9-36218177-C-T.
Other names: c.1756+3G>A (NM_001190388.2, NM_001374798.1); c.2026+3G>A (NM_001128227.3); c.1603+3G>A (NM_001190384.3); c.1780+3G>A (NM_001374797.1); c.1711+3G>A (NM_001190383.3).
Identifiers: ClinVar variation 571466 (VCV000571466.10), dbSNP rs370730412, ClinGen allele CA5056393.